The following is an entry in ClinVar:

NM_015450.3(POT1):c.1130C>G (p.Ser377Cys)

Gene: POT1 (protection of telomeres 1; minus strand). Cytogenetic location: 7q31.33.
Variant type: single nucleotide variant.
Coding change: c.1130C>G on transcript NM_015450.3 (MANE Select); coding-DNA position 1130, C replaced by G.
Protein change: p.Ser377Cys; replaces serine 377 with cysteine.
Molecular consequence: missense variant. On other transcripts: non-coding transcript variant (3).
Genome position (GRCh38, 1-based): chr7:124,842,840, G>C on the plus strand (C>G on the coding strand, the complement: POT1 is on the minus strand). VCF-style: chr7-124842840-G-C. GRCh37 (hg19) VCF-style: chr7-124482894-G-C.
Other names: c.737C>G, p.Ser246Cys (NM_001042594.2); short protein forms S246C, S377C.
Identifiers: ClinVar variation 863951 (VCV000863951.14), dbSNP rs776187798, ClinGen allele CA4465220.

ClinVar aggregate classification (germline): Conflicting classifications of pathogenicity. Review status: criteria provided, conflicting classifications (1 of 4 stars). 4 submissions from 4 submitters: Uncertain significance (2); Likely benign (1). 1 of the submissions does not count toward it. Last evaluated 2025-12-10.

Conditions:
Hereditary cancer-predisposing syndrome. Also called: Neoplastic Syndromes, Hereditary; Hereditary neoplastic syndrome; Tumor predisposition; Hereditary Cancer Syndrome. Identifiers: Orphanet 140162, MedGen C0027672, MeSH D009386, MONDO:0015356.
POT1-related disorder. Also called: POT1-related condition.
Tumor predisposition syndrome 3 (TPDS3). Also called: Melanoma, cutaneous malignant, susceptibility to, 10; Glioma susceptibility 9; LONG TELOMERE SYNDROME, POT1-RELATED; POT1 Tumor Predisposition. Identifiers: Orphanet 618, MedGen C4014476, MONDO:0014368, OMIM 615848.

Allele frequency attached by ClinVar (database versions not stated): gnomAD 0.00001; TOPMed 0.00001; ExAC 0.00003.
gnomAD v4.1: 11 of 1,601,824 alleles (0.00069%); highest among the groups gnomAD compares: East Asian, 0.022%; no homozygotes.

Submissions (4):

Labcorp Genetics (formerly Invitae), Labcorp
Classification: Uncertain significance for Tumor predisposition syndrome 3. Last evaluated: 2025-12-10. Review status: criteria provided, single submitter. Criteria: Invitae Variant Classification Sherloc (09022015). Collection method: clinical testing. Allele origin: germline.
Comment: This sequence change replaces serine, which is neutral and polar, with cysteine, which is neutral and slightly polar, at codon 377 of the POT1 protein (p.Ser377Cys). This variant is present in population databases (rs776187798, gnomAD 0.06%). This variant has not been reported in the literature in individuals affected with POT1-related conditions. ClinVar contains an entry for this variant (Variation ID: 863951). Invitae Evidence Modeling of protein sequence and biophysical properties (such as structural, functional, and spatial information, amino acid conservation, physicochemical variation, residue mobility, and thermodynamic stability) indicates that this missense variant is not expected to disrupt POT1 protein function with a negative predictive value of 80%. In summary, the available evidence is currently insufficient to determine the role of this variant in disease. Therefore, it has been classified as a Variant of Uncertain Significance.

Center for Genomic Medicine, Rigshospitalet, Copenhagen University Hospital
Classification: Uncertain significance. Last evaluated: 2025-03-04. Review status: criteria provided, single submitter. Criteria: ACMG Guidelines, 2015. Collection method: clinical testing. Allele origin: germline.

Ambry Genetics
Classification: Likely benign for Hereditary cancer-predisposing syndrome. Last evaluated: 2022-04-06. Review status: criteria provided, single submitter. Criteria: Ambry Variant Classification Scheme 2023. Collection method: clinical testing. Allele origin: germline.

PreventionGenetics, part of Exact Sciences
Classification: Likely benign for POT1-related condition. Last evaluated: 2022-07-05. Review status: no assertion criteria provided. Collection method: clinical testing. Allele origin: germline. Not counted in ClinVar's aggregate classification.
Comment: This variant is classified as likely benign based on ACMG/AMP sequence variant interpretation guidelines (Richards et al. 2015 PMID: 25741868, with internal and published modifications).